The following is an entry in ClinVar:

NM_000179.3(MSH6):c.103G>T (p.Ala35Ser)

Gene: MSH6 (mutS homolog 6; plus strand). Cytogenetic location: 2p16.3.
Variant type: single nucleotide variant.
Coding change: c.103G>T on transcript NM_000179.3 (MANE Select); coding-DNA position 103, G replaced by T.
Protein change: p.Ala35Ser; replaces alanine 35 with serine.
Molecular consequence: missense variant. On other transcripts: 5 prime UTR variant (1).
Genome position (GRCh38, 1-based): chr2:47,783,336, G>T. VCF-style: chr2-47783336-G-T. GRCh37 (hg19) VCF-style: chr2-48010475-G-T.
Other names: c.103G>T, p.Ala35Ser (NM_001281492.2); c.-634G>T (NM_001281493.2); short protein forms A35S.
Identifiers: ClinVar variation 818298 (VCV000818298.13), dbSNP rs1572698023, ClinGen allele CA346734838.

ClinVar aggregate classification (germline): Conflicting classifications of pathogenicity. Review status: criteria provided, conflicting classifications (1 of 4 stars). 2 submissions from 2 submitters: Uncertain significance (1); Likely benign (1). Last evaluated 2026-08-10.

Conditions:
Hereditary cancer-predisposing syndrome. Also called: Tumor predisposition; Hereditary Cancer Syndrome; Neoplastic Syndromes, Hereditary; Hereditary neoplastic syndrome. Identifiers: Orphanet 140162, MedGen C0027672, MeSH D009386, MONDO:0015356.
Hereditary nonpolyposis colorectal neoplasms. Identifiers: MedGen C0009405, MeSH D003123.

Submissions (2):

Ambry Genetics
Classification: Likely benign for Hereditary cancer-predisposing syndrome. Last evaluated: 2026-08-10. Review status: criteria provided, single submitter. Criteria: Ambry Variant Classification Scheme 2023. Collection method: clinical testing. Allele origin: germline.

Labcorp Genetics (formerly Invitae), Labcorp
Classification: Uncertain significance for Hereditary nonpolyposis colorectal neoplasms. Last evaluated: 2024-11-24. Review status: criteria provided, single submitter. Criteria: Invitae Variant Classification Sherloc (09022015). Collection method: clinical testing. Allele origin: germline.
Comment: This sequence change replaces alanine, which is neutral and non-polar, with serine, which is neutral and polar, at codon 35 of the MSH6 protein (p.Ala35Ser). This variant is not present in population databases (gnomAD no frequency). This missense change has been observed in individual(s) with MSH6-related conditions (PMID: 34326862). ClinVar contains an entry for this variant (Variation ID: 818298). Invitae Evidence Modeling of protein sequence and biophysical properties (such as structural, functional, and spatial information, amino acid conservation, physicochemical variation, residue mobility, and thermodynamic stability) indicates that this missense variant is not expected to disrupt MSH6 protein function with a negative predictive value of 95%. In summary, the available evidence is currently insufficient to determine the role of this variant in disease. Therefore, it has been classified as a Variant of Uncertain Significance.

Literature cited by the submitters: PubMed 34326862 (cited by Labcorp Genetics (formerly Invitae), Labcorp).